The following is an entry in ClinVar:

NM_153240.5(NPHP3):c.3063G>A (p.Ala1021=)

Genes: NPHP3 (nephrocystin 3; minus strand), NPHP3-ACAD11 (NPHP3-ACAD11 readthrough (NMD candidate); minus strand). Cytogenetic location: 3q22.1.
Variant type: single nucleotide variant.
Coding change: c.3063G>A on transcript NM_153240.5 (MANE Select); coding-DNA position 3063, G replaced by A.
Protein change: p.Ala1021=; no amino-acid change (alanine 1021 retained).
Molecular consequence: synonymous variant. On other transcripts: non-coding transcript variant (1).
Genome position (GRCh38, 1-based): chr3:132,688,712, C>T on the plus strand (G>A on the coding strand, the complement: NPHP3 is on the minus strand). VCF-style: chr3-132688712-C-T. GRCh37 (hg19) VCF-style: chr3-132407556-C-T.
Other names: c.3063G>A (NM_153240.4).
Identifiers: ClinVar variation 497878 (VCV000497878.15), dbSNP rs769832219, ClinGen allele CA2621852.

ClinVar aggregate classification (germline): Conflicting classifications of pathogenicity. Review status: criteria provided, conflicting classifications (1 of 4 stars). 5 submissions from 5 submitters: Uncertain significance (2); Likely benign (2). 1 of the submissions does not count toward it. Last evaluated 2025-12-03.

Conditions:
Nephronophthisis. Also called: Juvenile Nephronophthisis. Identifiers: Orphanet 655, MedGen C0687120, MONDO:0019005, HP:0000090.
Renal-hepatic-pancreatic dysplasia 1 (RHPD1). Identifiers: MedGen C3715199, MONDO:0008833, OMIM 208540.
Nephronophthisis 3 (NPHP3). Also called: Adolescent nephronophthisis. Identifiers: Orphanet 655, MedGen C1858392, MONDO:0011456, OMIM 604387.
NPHP3-related Meckel-like syndrome. Also called: GOLDSTON SYNDROME; Meckel syndrome type 7. Identifiers: Orphanet 3032, MedGen C2673885, MONDO:0009966, OMIM 267010.
NPHP3-related disorder. Also called: NPHP3-related disorders; NPHP3-related condition. Identifiers: MedGen CN379163.

Allele frequency attached by ClinVar (database versions not stated): ExAC 0.00001; gnomAD exomes 0.00001 and 0.00003; gnomAD 0.00002 and 0.00003; TOPMed 0.00005.
gnomAD v4.1: 45 of 1,613,898 alleles (0.0028%); highest among the groups gnomAD compares: Non-Finnish European, 0.0034%; no homozygotes.

Submissions (5):

Labcorp Genetics (formerly Invitae), Labcorp
Classification: Likely benign for Nephronophthisis. Last evaluated: 2025-12-03. Review status: criteria provided, single submitter. Criteria: Invitae Variant Classification Sherloc (09022015). Collection method: clinical testing. Allele origin: germline.

Blueprint Genetics
Classification: Likely benign. Last evaluated: 2024-10-23. Review status: criteria provided, single submitter. Criteria: ACMG Guidelines, 2015. Collection method: clinical testing. Allele origin: germline.

Fulgent Genetics
Classification: Uncertain significance for Renal-hepatic-pancreatic dysplasia 1; NPHP3-related Meckel-like syndrome; Nephronophthisis 3. Last evaluated: 2021-09-04. Review status: criteria provided, single submitter. Criteria: ACMG Guidelines, 2015. Collection method: clinical testing. Allele origin: unknown.

Eurofins Ntd Llc (ga)
Classification: Uncertain significance. Last evaluated: 2016-10-07. Review status: criteria provided, single submitter. Criteria: EGL Classification Definitions 2015. Collection method: clinical testing. Allele origin: germline. Observed: 1 variant allele, 1 heterozygote.

PreventionGenetics, part of Exact Sciences
Classification: Likely benign for NPHP3-related condition. Last evaluated: 2023-10-19. Review status: no assertion criteria provided. Collection method: clinical testing. Allele origin: germline. Not counted in ClinVar's aggregate classification.
Comment: This variant is classified as likely benign based on ACMG/AMP sequence variant interpretation guidelines (Richards et al. 2015 PMID: 25741868, with internal and published modifications).